The following is an entry in ClinVar:

NM_000203.5(IDUA):c.159C>T (p.Cys53=)

Genes: IDUA (alpha-L-iduronidase; plus strand), SLC26A1 (solute carrier family 26 member 1; minus strand). Cytogenetic location: 4p16.3.
Variant type: single nucleotide variant.
Coding change: c.159C>T on transcript NM_000203.5 (MANE Select); coding-DNA position 159, C replaced by T.
Protein change: p.Cys53=; no amino-acid change (cysteine 53 retained).
Molecular consequence: synonymous variant. On other transcripts: 3 prime UTR variant (2), non-coding transcript variant (1), intron variant (1).
Genome position (GRCh38, 1-based): chr4:987,809, C>T. VCF-style: chr4-987809-C-T. GRCh37 (hg19) VCF-style: chr4-981597-C-T.
Other names: c.*1024G>A (NM_022042.4, NM_213613.4); c.576+3319G>A (NM_134425.4).
Identifiers: ClinVar variation 1435524 (VCV001435524.4), dbSNP rs758190824, ClinGen allele CA2801127.

ClinVar aggregate classification (germline): Conflicting classifications of pathogenicity. Review status: criteria provided, conflicting classifications (1 of 4 stars). 2 submissions from 2 submitters: Uncertain significance (1); Likely benign (1). Last evaluated 2025-02-16.

Conditions:
Mucopolysaccharidosis type 1. Also called: IDUA deficiency; MPS I. Identifiers: Orphanet 579, MedGen C0023786, MONDO:0001586.

Allele frequency attached by ClinVar (database versions not stated): TOPMed below 0.00001; gnomAD 0.00001; gnomAD exomes 0.00001; ExAC 0.00004.
gnomAD v4.1: 11 of 1,612,124 alleles (0.00068%); highest among the groups gnomAD compares: Admixed American, 0.0017%; no homozygotes.

Submissions (2):

Laboratory of Genetics, Children's Clinical University Hospital Latvia
Classification: Likely benign. Last evaluated: 2025-02-16. Review status: criteria provided, single submitter. Criteria: ACMG Guidelines, 2015. Collection method: clinical testing. Allele origin: germline. Affected: yes.

Labcorp Genetics (formerly Invitae), Labcorp
Classification: Uncertain significance for Mucopolysaccharidosis type 1. Last evaluated: 2022-07-18. Review status: criteria provided, single submitter. Criteria: Invitae Variant Classification Sherloc (09022015). Collection method: clinical testing. Allele origin: germline.
Comment: This sequence change affects codon 53 of the IDUA mRNA. It is a 'silent' change, meaning that it does not change the encoded amino acid sequence of the IDUA protein. It affects a nucleotide within the consensus splice site. This variant is present in population databases (rs758190824, gnomAD 0.02%). This variant has not been reported in the literature in individuals affected with IDUA-related conditions. ClinVar contains an entry for this variant (Variation ID: 1435524). Algorithms developed to predict the effect of sequence changes on RNA splicing suggest that this variant is not likely to affect RNA splicing. In summary, the available evidence is currently insufficient to determine the role of this variant in disease. Therefore, it has been classified as a Variant of Uncertain Significance.